The following is an entry in ClinVar:

ClinVar aggregate classification (germline): Conflicting classifications of pathogenicity. Review status: criteria provided, conflicting classifications (1 of 4 stars). 2 submissions from 2 submitters: Likely pathogenic (1); Uncertain significance (1). Last evaluated 2026-02-13.

Conditions:
Neurodevelopmental disorder with motor and language delay, ocular defects, and brain abnormalities (NEDMLOB). Identifiers: MedGen C5830596, MONDO:0957386, OMIM 620428.

Submissions (2):

OLLIN Analises Genomicas, OLLIN
Classification: Uncertain significance for Neurodevelopmental disorder with motor and language delay, ocular defects, and brain abnormalities. Last evaluated: 2026-02-13. Review status: criteria provided, single submitter. Criteria: ACMG Guidelines 2015 PMID 25741868. Collection method: clinical testing. Allele origin: germline. Observed: 2 variant alleles.
Comment: PVS1_S, PM2_P

Clinical Genomics Laboratory, Washington University in St. Louis
Classification: Likely pathogenic for Neurodevelopmental disorder with motor and language delay, ocular defects, and brain abnormalities. Last evaluated: 2024-02-01. Review status: criteria provided, single submitter. Criteria: ACMG Guidelines, 2015. Collection method: clinical testing. Allele origin: germline.
Comment: The INTS11 c.936dup (p.Ala313CysfsTer2) variant, also known as c.954dup (p.Ala319CysfsTer2) on NM_001256456.2, has been reported in one individual with NEDMLOB (Tepe B et al., PMID: 37054711). This variant is only observed on 23/281,410 alleles in the general population (gnomAD v.2.1.1), indicating it is not a common variant. This variant causes a frameshift by duplicating a single nucleotide, leading to a premature termination codon, which is predicted to lead to nonsense mediated decay. Based on available information and the ACMG/AMP guidelines for variant interpretation (Richards S et al., PMID: 25741868), this variant is classified as likely pathogenic.

NM_017871.6(INTS11):c.936dup (p.Ala313fs)

Gene: INTS11 (integrator complex subunit 11; minus strand). Cytogenetic location: 1p36.33.
Variant type: Duplication.
Coding change: c.936dup on transcript NM_017871.6 (MANE Select); coding-DNA position 936, one base duplicated (T; older notation c.936dupT).
Protein change: p.Ala313fs; shifts the reading frame from alanine 313.
Molecular consequence: frameshift variant.
Genome position (GRCh38, 1-based): chr1:1,313,753, A duplicated on the plus strand (T on the coding strand, the reverse complement: INTS11 is on the minus strand); the first of 4 consecutive A bases (chr1:1,313,753-1,313,756); duplicating any one gives the same sequence. VCF-style (leftmost placement, unchanged base first): chr1-1313752-C-CA. GRCh37 (hg19) VCF-style: chr1-1249132-C-CA.
Other names: c.849dup, p.Ala284fs (NM_001256460.2); c.642dup, p.Ala215fs (NM_001256462.2); c.633dup, p.Ala212fs (NM_001256463.2); c.954dup, p.Ala319fs (NM_001256456.2); short protein forms A212fs, A215fs, A284fs, A313fs, A319fs.
Identifiers: ClinVar variation 3236609 (VCV003236609.2), dbSNP rs556125116, ClinGen allele CA517652.